The following is an entry in ClinVar:

ClinVar aggregate classification (germline): Pathogenic/Likely pathogenic. Review status: criteria provided, multiple submitters, no conflicts (2 of 4 stars). 3 submissions from 3 submitters: Pathogenic (1); Likely pathogenic (1). 1 of the submissions does not count toward it. Last evaluated 2026-03-18.

Conditions:
Tuberous sclerosis syndrome (TSC). Also called: Tuberous sclerosis; Tuberous Sclerosis Complex. Identifiers: Orphanet 805, MedGen C0041341, MONDO:0001734.
Tuberous sclerosis 2 (TSC2). Identifiers: Orphanet 805, MedGen C1860707, MONDO:0013199, OMIM 613254.

Submissions (3):

GeneDx
Classification: Pathogenic. Last evaluated: 2026-03-18. Review status: criteria provided, single submitter. Criteria: GeneDx Variant Classification Process June 2021. Collection method: clinical testing. Allele origin: germline. Affected: yes.
Comment: Canonical splice site variant predicted to result in a null allele in a gene for which loss of function is a known mechanism of disease; Not observed at significant frequency in large population cohorts (gnomAD); Also known as c.5178delTG; This variant is associated with the following publications: (PMID: 9328481)

Labcorp Genetics (formerly Invitae), Labcorp
Classification: Likely pathogenic for Tuberous sclerosis 2. Last evaluated: 2024-08-01. Review status: criteria provided, single submitter. Criteria: Invitae Variant Classification Sherloc (09022015). Collection method: clinical testing. Allele origin: germline.
Comment: This sequence change affects a splice site in intron 40 of the TSC2 gene. It is expected to disrupt RNA splicing. Variants that disrupt the donor or acceptor splice site typically lead to a loss of protein function (PMID: 16199547), and loss-of-function variants in TSC2 are known to be pathogenic (PMID: 10205261, 17304050). This variant is not present in population databases (gnomAD no frequency). Disruption of this splice site has been observed in individual(s) with tuberous sclerosis complex (PMID: 9328481). This variant is also known as 5178delTG. ClinVar contains an entry for this variant (Variation ID: 426862). Algorithms developed to predict the effect of sequence changes on RNA splicing suggest that this variant may disrupt the consensus splice site. In summary, the currently available evidence indicates that the variant is pathogenic, but additional data are needed to prove that conclusively. Therefore, this variant has been classified as Likely Pathogenic.

Tuberous sclerosis database (TSC2)
No classification provided. Condition: TSC. Review status: no classification provided. Criteria: Tuberous Sclerosis Database Assertion Criteria 2015. Collection method: curation. Allele origin: germline. Affected: yes. Not counted in ClinVar's aggregate classification.

Literature cited by the submitters: PubMed 16199547 (cited by Labcorp Genetics (formerly Invitae), Labcorp); PubMed 10205261 (cited by Labcorp Genetics (formerly Invitae), Labcorp); PubMed 17304050 (cited by Labcorp Genetics (formerly Invitae), Labcorp); PubMed 9328481 (cited by Labcorp Genetics (formerly Invitae), Labcorp).

NM_000548.5(TSC2):c.5160+2_5160+3del

Gene: TSC2 (TSC complex subunit 2; plus strand). Cytogenetic location: 16p13.3.
Variant type: Microsatellite.
Coding change: c.5160+2_5160+3del on transcript NM_000548.5 (MANE Select); the canonical splice donor site of the intron after coding-DNA position 5160 through 3 bases into the intron after coding-DNA position 5160, 2 bases deleted (TG; older notation c.5160+2_5160+3delTG).
Molecular consequence: splice donor variant.
Genome position (GRCh38, 1-based): chr16:2,088,141-2,088,142, TG deleted; deleting any 2 consecutive bases within chr16:2,088,139-2,088,142 gives the same sequence; the c. name uses the placement nearest the transcript's 3' end. VCF-style (leftmost placement, unchanged base first): chr16-2088138-ATG-A. GRCh37 (hg19) VCF-style: chr16-2138139-ATG-A.
Other names: c.5160+2_5160+3delTG (NM_000548.3); c.5160_5160+1delTG (NM_000548.3); c.5091+2_5091+3del (NM_001114382.3); c.5031+2_5031+3del (NM_021055.3, NM_001370405.1); c.4962+2_4962+3del (NM_001363528.2); c.5028+2_5028+3del (NM_001370404.1); c.4959+2_4959+3del (NM_001077183.3); c.4851+2_4851+3del (NM_001318827.2); and 3 more.
Identifiers: ClinVar variation 426862 (VCV000426862.6), dbSNP rs137854036, ClinGen allele CA263054.